The following is an entry in ClinVar:

NM_001114753.3(ENG):c.68-1G>A

Gene: ENG (endoglin; minus strand). Cytogenetic location: 9q34.11.
Variant type: single nucleotide variant.
Coding change: c.68-1G>A on transcript NM_001114753.3 (MANE Select); the canonical splice acceptor site of the intron before coding-DNA position 68, G replaced by A.
Molecular consequence: splice acceptor variant.
Genome position (GRCh38, 1-based): chr9:127,843,246, C>T on the plus strand (G>A on the coding strand, the complement: ENG is on the minus strand). VCF-style: chr9-127843246-C-T. GRCh37 (hg19) VCF-style: chr9-130605525-C-T.
Other names: c.68-1G>A (NM_001114753.1, NM_000118.4, NM_001406715.1); c.-479-1G>A (NM_001278138.2).
Identifiers: ClinVar variation 237030 (VCV000237030.15), dbSNP rs878853659, ClinGen allele CA10582616.

ClinVar aggregate classification (germline): Pathogenic/Likely pathogenic. Review status: criteria provided, multiple submitters, no conflicts (2 of 4 stars). 4 submissions from 4 submitters: Pathogenic (3); Likely pathogenic (1). Last evaluated 2023-09-08.

Conditions:
Cardiovascular phenotype. Identifiers: MedGen CN230736.
Hereditary hemorrhagic telangiectasia (HHT). Also called: ORW DISEASE; Osler Weber Rendu syndrome; OSLER-RENDU-WEBER DISEASE; Osler hemorrhagic telangiectasia syndrome. Identifiers: Orphanet 774, MedGen C0039445, MONDO:0019180. Disease mechanism: loss of function.
Telangiectasia, hereditary hemorrhagic, type 1 (HHT1). Also called: Osler Weber Rendu syndrome type 1; ENG-Related Hereditary Hemorrhagic Telangiectasia. Identifiers: Orphanet 774, MedGen C4551861, MONDO:0008535, OMIM 187300. Disease mechanism: loss of function.

Allele frequency attached by ClinVar (database versions not stated): gnomAD exomes below 0.00001.
gnomAD v4.1: 1 of 1,614,202 alleles (0.000062%); highest among the groups gnomAD compares: Non-Finnish European, 0.000085%; no homozygotes.

Submissions (4):

GeneDx
Classification: Pathogenic. Last evaluated: 2023-09-08. Review status: criteria provided, single submitter. Criteria: GeneDx Variant Classification Process June 2021. Collection method: clinical testing. Allele origin: germline. Affected: yes.
Comment: Not observed at significant frequency in large population cohorts (gnomAD); Canonical splice site variant predicted to result in a null allele in a gene for which loss of function is a known mechanism of disease; This variant is associated with the following publications: (PMID: 25525159, 16752392, 15024723)

Ambry Genetics
Classification: Pathogenic for Cardiovascular phenotype. Last evaluated: 2021-04-12. Review status: criteria provided, single submitter. Criteria: Ambry Variant Classification Scheme 2023. Collection method: clinical testing. Allele origin: germline.
Comment: The c.68-1G>A intronic pathogenic mutation results from a G to A substitution one nucleotide upstream from coding exon 2 of the ENG gene. Alterations that disrupt the canonical splice site are expected to result in aberrant splicing. In silico splice site analysis predicts that this alteration will weaken the native splice acceptor site and may result in the creation or strengthening of a novel splice acceptor site. The stop codon in the predicted resulting transcript occurs within the first 150 nucleotides ofthe ENG gene. As such, this alteration may escape nonsense-mediated mRNAdecay and/or be prone to rescue by reinitiation (Rivas et al. Science. 2015 May 8;348(6235):666-9; Lindeboom et al. Nat Genet. 2016 Oct;48(10):1112-8; Rhee et al. Sci Rep. 2017 May 10;7(1):1653). The exact functional effect of this alteration is unknown; however, the impacted region is critical for protein function (Ambry internal data). This alteration has been observed in individuals with personal and family histories of hereditary hemorrhagic telangiectasia (HHT) (Ambry internal data; Lesca G et al. Hum Mutat, 2004 Apr;23:289-99). Based on the supporting evidence, this alteration is interpreted as a disease-causing mutation.

Fulgent Genetics
Classification: Likely pathogenic for Telangiectasia, hereditary hemorrhagic, type 1. Last evaluated: 2018-10-31. Review status: criteria provided, single submitter. Criteria: ACMG Guidelines, 2015. Collection method: clinical testing. Allele origin: unknown.

Labcorp Genetics (formerly Invitae), Labcorp
Classification: Pathogenic for Hereditary hemorrhagic telangiectasia. Last evaluated: 2016-03-17. Review status: criteria provided, single submitter. Criteria: Invitae Variant Classification Sherloc (09022015). Collection method: clinical testing. Allele origin: germline.
Comment: This sequence change affects an acceptor splice site in intron 1 of the ENG gene. It is expected to disrupt mRNA splicing and likely results in an absent or disrupted protein product. Truncating variants in ENG are known to be pathogenic (PMID: 21158752, 12673790). This particular variant has been identified in a patient with confirmed hereditary hemorrhagic telangiectasia (PMID: 15024723). For these reasons, this variant has been classified as Pathogenic.

Literature cited by the submitters: PubMed 15024723 (cited by Ambry Genetics and Labcorp Genetics (formerly Invitae), Labcorp); PubMed 21158752 (cited by Labcorp Genetics (formerly Invitae), Labcorp); PubMed 12673790 (cited by Labcorp Genetics (formerly Invitae), Labcorp).